The following is an entry in ClinVar:

ClinVar aggregate classification (germline): Uncertain significance (1 of 4 stars; one submission).

Conditions:
Inborn genetic diseases. Identifiers: MedGen C0950123, MeSH D030342.

Submission:

Ambry Genetics
Classification: Uncertain significance for Inborn genetic diseases. Last evaluated: 2025-07-12. Review status: criteria provided, single submitter. Criteria: Ambry Variant Classification Scheme 2023. Collection method: clinical testing. Allele origin: germline.
Comment: The p.H279Y variant (also known as c.835C>T), located in coding exon 9 of the ASXL1 gene, results from a C to T substitution at nucleotide position 835. The histidine at codon 279 is replaced by tyrosine, an amino acid with similar properties. This amino acid position is conserved. In addition, this alteration is predicted to be tolerated by in silico analysis. Based on the available evidence, the clinical significance of this variant remains unclear.

NM_015338.6(ASXL1):c.835C>T (p.His279Tyr)

Gene: ASXL1 (ASXL transcriptional regulator 1; plus strand). Cytogenetic location: 20q11.21.
Variant type: single nucleotide variant.
Coding change: c.835C>T on transcript NM_015338.6 (MANE Select); coding-DNA position 835, C replaced by T.
Protein change: p.His279Tyr; replaces histidine 279 with tyrosine.
Molecular consequence: missense variant.
Genome position (GRCh38, 1-based): chr20:32,431,437, C>T. VCF-style: chr20-32431437-C-T. GRCh37 (hg19) VCF-style: chr20-31019240-C-T.
Other names: c.652C>T, p.His218Tyr (NM_001363734.1); short protein forms H218Y, H279Y.
Identifiers: ClinVar variation 4158208 (VCV004158208.1).